The following is an entry in ClinVar:

ClinVar aggregate classification (germline): Uncertain significance. Review status: criteria provided, multiple submitters, no conflicts (2 of 4 stars). 2 submissions from 2 submitters: Uncertain significance (2). Last evaluated 2025-07-21.

Conditions:
Naxos disease (NXD). Also called: PALMOPLANTAR KERATODERMA WITH ARRHYTHMOGENIC RIGHT VENTRICULAR CARDIOMYOPATHY AND WOOLLY HAIR; WOOLLY HAIR, PALMOPLANTAR KERATODERMA, AND CARDIAC ABNORMALITIES; CARDIOMYOPATHY, ARRHYTHMOGENIC RIGHT VENTRICULAR, WITH SKIN, HAIR, AND NAIL ABNORMALITIES; KERATOSIS PALMOPLANTARIS WITH ARRHYTHMOGENIC CARDIOMYOPATHY; MAL DE NAXOS. Identifiers: Orphanet 34217, MedGen C1832600, MONDO:0011017, OMIM 601214.
Arrhythmogenic right ventricular dysplasia 12. Also called: ARRHYTHMOGENIC RIGHT VENTRICULAR DYSPLASIA, FAMILIAL, 12. Identifiers: MedGen C1969081, MONDO:0012684, OMIM 611528.
Cardiovascular phenotype. Identifiers: MedGen CN230736.

Allele frequency attached by ClinVar (database versions not stated): gnomAD exomes below 0.00001; ExAC 0.00001.
gnomAD v4.1: 1 of 1,607,028 alleles (0.000062%); highest among the groups gnomAD compares: Admixed American, 0.0017%; no homozygotes.

Submissions (2):

Ambry Genetics
Classification: Uncertain significance for Cardiovascular phenotype. Last evaluated: 2025-07-21. Review status: criteria provided, single submitter. Criteria: Ambry Variant Classification Scheme 2023. Collection method: clinical testing. Allele origin: germline.
Comment: The p.L231P variant (also known as c.692T>C), located in coding exon 3 of the JUP gene, results from a T to C substitution at nucleotide position 692. The leucine at codon 231 is replaced by proline, an amino acid with similar properties. This amino acid position is conserved. In addition, this alteration is predicted to be deleterious by in silico analysis. Based on the available evidence, the clinical significance of this variant remains unclear.

Labcorp Genetics (formerly Invitae), Labcorp
Classification: Uncertain significance for Arrhythmogenic right ventricular dysplasia 12; Naxos disease. Last evaluated: 2021-01-02. Review status: criteria provided, single submitter. Criteria: Invitae Variant Classification Sherloc (09022015). Collection method: clinical testing. Allele origin: germline.
Comment: This sequence change replaces leucine with proline at codon 231 of the JUP protein (p.Leu231Pro). The leucine residue is highly conserved and there is a moderate physicochemical difference between leucine and proline. This variant is present in population databases (rs782109462, ExAC 0.02%). This variant has not been reported in the literature in individuals with JUP-related conditions. Algorithms developed to predict the effect of missense changes on protein structure and function are either unavailable or do not agree on the potential impact of this missense change (SIFT: "Deleterious"; PolyPhen-2: "Probably Damaging"; Align-GVGD: "Class C0"). In summary, the available evidence is currently insufficient to determine the role of this variant in disease. Therefore, it has been classified as a Variant of Uncertain Significance.

NM_002230.4(JUP):c.692T>C (p.Leu231Pro)

Gene: JUP (junction plakoglobin; minus strand). Cytogenetic location: 17q21.2.
Variant type: single nucleotide variant.
Coding change: c.692T>C on transcript NM_002230.4 (MANE Select); coding-DNA position 692, T replaced by C.
Protein change: p.Leu231Pro; replaces leucine 231 with proline.
Molecular consequence: missense variant.
Genome position (GRCh38, 1-based): chr17:41,768,984, A>G on the plus strand (T>C on the coding strand, the complement: JUP is on the minus strand). VCF-style: chr17-41768984-A-G. GRCh37 (hg19) VCF-style: chr17-39925236-A-G.
Other names: c.692T>C (NM_002230.2); c.692T>C, p.Leu231Pro (NM_001352773.2, NM_001352774.2, NM_001352775.2 and 3 more transcripts); short protein forms L231P.
Identifiers: ClinVar variation 1432132 (VCV001432132.9), dbSNP rs782109462, ClinGen allele CA8565413.
Genomic context (GRCh38, chr17:41,768,984, plus strand): 5'-AGTGAGAGGGGGTCCTGGGCTCATGCAGTGAGCAGGGTTGGGTACCTGAGCATGCGGACC[A>G]GAGCAGGGATGCCACCCGACTTGAAGATGGCGAGCAGCCCCTCCCGGTGGTGGGAGAGGT-3'
Protein context (NP_002221.1, residues 221-241): AIFKSGGIPA[Leu231Pro]VRMLSSPVES